The following is an entry in ClinVar:

ClinVar aggregate classification (germline): Uncertain significance (1 of 4 stars; one submission).

Conditions:
Hereditary cancer-predisposing syndrome. Also called: Hereditary Cancer Syndrome; Hereditary neoplastic syndrome; Neoplastic Syndromes, Hereditary; Tumor predisposition. Identifiers: Orphanet 140162, MedGen C0027672, MeSH D009386, MONDO:0015356.

Submission:

Ambry Genetics
Classification: Uncertain significance for Hereditary cancer-predisposing syndrome. Last evaluated: 2025-05-08. Review status: criteria provided, single submitter. Criteria: Ambry Variant Classification Scheme 2023. Collection method: clinical testing. Allele origin: germline.
Comment: The p.F153L variant (also known as c.459T>G), located in coding exon 5 of the MRE11A gene, results from a T to G substitution at nucleotide position 459. The phenylalanine at codon 153 is replaced by leucine, an amino acid with highly similar properties. This amino acid position is conserved. In addition, this alteration is predicted to be deleterious by in silico analysis. Based on the available evidence, the clinical significance of this variant remains unclear.

NM_005591.4(MRE11):c.459T>G (p.Phe153Leu)

Gene: MRE11 (MRE11 double strand break repair nuclease; minus strand). Cytogenetic location: 11q21.
Variant type: single nucleotide variant.
Coding change: c.459T>G on transcript NM_005591.4 (MANE Select); coding-DNA position 459, T replaced by G.
Protein change: p.Phe153Leu; replaces phenylalanine 153 with leucine.
Molecular consequence: missense variant.
Genome position (GRCh38, 1-based): chr11:94,478,820, A>C on the plus strand (T>G on the coding strand, the complement: MRE11 is on the minus strand). VCF-style: chr11-94478820-A-C. GRCh37 (hg19) VCF-style: chr11-94211986-A-C.
Other names: c.459T>G, p.Phe153Leu (NM_001330347.2, NM_005590.4); short protein forms F153L.
Identifiers: ClinVar variation 3912882 (VCV003912882.1).